The following is an entry in ClinVar:

NM_022436.3(ABCG5):c.862G>T (p.Gly288Cys)

Genes: ABCG5 (ATP binding cassette subfamily G member 5; minus strand), DYNC2LI1 (dynein cytoplasmic 2 light intermediate chain 1; plus strand). Cytogenetic location: 2p21.
Variant type: single nucleotide variant.
Coding change: c.862G>T on transcript NM_022436.3 (MANE Select); coding-DNA position 862, G replaced by T.
Protein change: p.Gly288Cys; replaces glycine 288 with cysteine.
Molecular consequence: missense variant. On other transcripts: intron variant (2).
Genome position (GRCh38, 1-based): chr2:43,824,931, C>A on the plus strand (G>T on the coding strand, the complement: ABCG5 is on the minus strand). VCF-style: chr2-43824931-C-A. GRCh37 (hg19) VCF-style: chr2-44052070-C-A.
Other names: c.*16-2455C>A (NM_001348913.2, NM_001348912.2); short protein forms G288C.
Identifiers: ClinVar variation 1004856 (VCV001004856.7), dbSNP rs139264483, ClinGen allele CA1636484.

ClinVar aggregate classification (germline): Uncertain significance (1 of 4 stars; one submission).

Conditions:
Sitosterolemia (STSL). Also called: PHYTOSTEROLEMIA. Identifiers: Orphanet 2882, MedGen C0342907, MONDO:0008863.

gnomAD v4.1: 10 of 1,613,996 alleles (0.00062%); highest among the groups gnomAD compares: Non-Finnish European, 0.00085%; no homozygotes.

Submission:

Labcorp Genetics (formerly Invitae), Labcorp
Classification: Uncertain significance for Sitosterolemia. Last evaluated: 2022-07-25. Review status: criteria provided, single submitter. Criteria: Invitae Variant Classification Sherloc (09022015). Collection method: clinical testing. Allele origin: germline.
Comment: This sequence change replaces glycine, which is neutral and non-polar, with cysteine, which is neutral and slightly polar, at codon 288 of the ABCG5 protein (p.Gly288Cys). This variant is present in population databases (rs139264483, gnomAD 0.002%). This missense change has been observed in individual(s) with clinical features of familial hypercholesterolemia (PMID: 29066094). ClinVar contains an entry for this variant (Variation ID: 1004856). Algorithms developed to predict the effect of missense changes on protein structure and function (SIFT, PolyPhen-2, Align-GVGD) all suggest that this variant is likely to be disruptive. In summary, the available evidence is currently insufficient to determine the role of this variant in disease. Therefore, it has been classified as a Variant of Uncertain Significance.

Literature cited by the submitters: PubMed 29066094.